The following is an entry in ClinVar:

ClinVar aggregate classification (germline): Uncertain significance (1 of 4 stars; one submission).

Submission:

Labcorp Genetics (formerly Invitae), Labcorp
Classification: Uncertain significance. Last evaluated: 2025-09-14. Review status: criteria provided, single submitter. Criteria: Invitae Variant Classification Sherloc (09022015). Collection method: clinical testing. Allele origin: germline.
Comment: This sequence change creates a premature translational stop signal (p.Ser509*) in the CLCC1 gene. It is expected to result in an absent or disrupted protein product. However, the current clinical and genetic evidence is not sufficient to establish whether loss-of-function variants in CLCC1 cause disease. This variant is not present in population databases (gnomAD no frequency). This variant has not been reported in the literature in individuals affected with CLCC1-related conditions. In summary, the available evidence is currently insufficient to determine the role of this variant in disease. Therefore, it has been classified as a Variant of Uncertain Significance.

NM_001377458.1(CLCC1):c.1526C>A (p.Ser509Ter)

Gene: CLCC1 (chloride channel CLIC like 1; minus strand). Cytogenetic location: 1p13.3.
Variant type: single nucleotide variant.
Coding change: c.1526C>A on transcript NM_001377458.1 (MANE Select); coding-DNA position 1526, C replaced by A.
Protein change: p.Ser509Ter; replaces serine 509 with a stop codon.
Molecular consequence: nonsense. On other transcripts: non-coding transcript variant (1).
Genome position (GRCh38, 1-based): chr1:108,934,800, G>T on the plus strand (C>A on the coding strand, the complement: CLCC1 is on the minus strand). VCF-style: chr1-108934800-G-T. GRCh37 (hg19) VCF-style: chr1-109477422-G-T.
Other names: c.1526C>A, p.Ser509Ter (NM_001048210.3, NM_001377459.1, NM_001377460.1 and 8 more transcripts); c.1163C>A, p.Ser388Ter (NM_001278202.2); c.971C>A, p.Ser324Ter (NM_001278203.1); c.1424C>A, p.Ser475Ter (NM_001377469.1); c.1235C>A, p.Ser412Ter (NM_001377470.1); c.1376C>A, p.Ser459Ter (NM_015127.5); short protein forms S324*, S509*, S459*, S475*, S388*, S412*.
Identifiers: ClinVar variation 4710636 (VCV004710636.1).